The following is an entry in ClinVar:

ClinVar aggregate classification (germline): Likely pathogenic (1 of 4 stars; one submission).

Conditions:
Mucopolysaccharidosis, MPS-III-A (MPS3A). Also called: HEPARAN SULFATE SULFATASE DEFICIENCY; SANFILIPPO SYNDROME A; SULFAMIDASE DEFICIENCY; MPS III A; MUCOPOLYSACCHARIDOSIS, TYPE IIIA, ATTENUATED; Mucopolysaccharidosis type IIIA (Sanfilippo A). Identifiers: Orphanet 581, Orphanet 79269, MedGen C0086647, MONDO:0009655, OMIM 252900.

Submission:

Foundation for Research in Genetics and Endocrinology, FRIGE's Institute of Human Genetics
Classification: Likely pathogenic for Mucopolysaccharidosis, MPS-III-A. Last evaluated: 2025-05-10. Review status: criteria provided, single submitter. Criteria: ACMG Guidelines, 2015. Collection method: clinical testing. Allele origin: germline. Inheritance: Autosomal recessive inheritance. Affected: yes. Observed: 1 variant allele, 1 homozygote.
Comment: A homozygous missense variant in exon 8 of the SGSH gene that results in the amino acid substitution of Methionine to Lysine at codon 376 was detected. The observed variant c.1127T>A (p.Met376Lys) has not been reported in the 1000 genomes and gnomAD databases. The in-silico prediction of this variant is disease causing by MutationTaster, DANN and REVEL. In summary, the variant meets our criteria to be classified as likely pathogenic.

NM_000199.5(SGSH):c.1127T>A (p.Met376Lys)

Gene: SGSH (N-sulfoglucosamine sulfohydrolase; minus strand). Cytogenetic location: 17q25.3.
Variant type: single nucleotide variant.
Coding change: c.1127T>A on transcript NM_000199.5 (MANE Select); coding-DNA position 1127, T replaced by A.
Protein change: p.Met376Lys; replaces methionine 376 with lysine.
Molecular consequence: missense variant. On other transcripts: 3 prime UTR variant (2), non-coding transcript variant (1).
Genome position (GRCh38, 1-based): chr17:80,210,834, A>T on the plus strand (T>A on the coding strand, the complement: SGSH is on the minus strand). VCF-style: chr17-80210834-A-T. GRCh37 (hg19) VCF-style: chr17-78184633-A-T.
Other names: p.Met376Lys; c.*214T>A (NM_001352921.3); c.*177T>A (NM_001352922.2); short protein forms M376K.
Identifiers: ClinVar variation 4886975 (VCV004886975.1).